The following is an entry in ClinVar:

ClinVar aggregate classification (germline): Uncertain significance (1 of 4 stars; one submission).

Submission:

CeGaT Center for Human Genetics Tuebingen
Classification: Uncertain significance. Last evaluated: 2025-06-01. Review status: criteria provided, single submitter. Criteria: CeGaT Center For Human Genetics Tuebingen Variant Classification Criteria Version 2. Collection method: clinical testing. Allele origin: germline. Affected: yes. Observed: 1 variant allele.
Comment: ACTN1: PM2

NM_001130004.2(ACTN1):c.28A>G (p.Asn10Asp)

Gene: ACTN1 (actinin alpha 1; minus strand). Cytogenetic location: 14q24.1.
Variant type: single nucleotide variant.
Coding change: c.28A>G on transcript NM_001130004.2 (MANE Select); coding-DNA position 28, A replaced by G.
Protein change: p.Asn10Asp; replaces asparagine 10 with aspartic acid.
Molecular consequence: missense variant. On other transcripts: 5 prime UTR variant (1).
Genome position (GRCh38, 1-based): chr14:68,979,029, T>C on the plus strand (A>G on the coding strand, the complement: ACTN1 is on the minus strand). VCF-style: chr14-68979029-T-C. GRCh37 (hg19) VCF-style: chr14-69445746-T-C.
Other names: c.28A>G, p.Asn10Asp (NM_001102.4, NM_001130005.2, NM_001411035.1 and 10 more transcripts); c.-883A>G (NM_001424030.1); short protein forms N10D.
Identifiers: ClinVar variation 4085326 (VCV004085326.8).
Genomic context (GRCh38, chr14:68,979,029, plus strand): 5'-CCCAGGCCGGGTCCAGGAGCAGGTCCCGGTCCCAGTCCTCTTCTGGCTGCATGTAATCGT[T>C]GGTTTGCTGAGAATCATAATGGTCCATGATGGTGCGCGCGTGCTAGGGTCTGGATTTCTT-3'
Protein context (NP_001123476.1, residues 1-20): MDHYDSQQT[Asn10Asp]DYMQPEEDWD